The following is an entry in ClinVar:

NM_015335.5(MED13L):c.5364+1dup

Gene: MED13L (mediator complex subunit 13L; minus strand). Cytogenetic location: 12q24.21.
Variant type: Duplication.
Coding change: c.5364+1dup on transcript NM_015335.5 (MANE Select); the canonical splice donor site of the intron after coding-DNA position 5364, one base duplicated (G; older notation c.5364+1dupG).
Molecular consequence: splice donor variant.
Genome position (GRCh38, 1-based): chr12:115,980,749, C duplicated on the plus strand (G on the coding strand, the reverse complement: MED13L is on the minus strand); the first of 2 consecutive C bases (chr12:115,980,749-115,980,750); duplicating either gives the same sequence. VCF-style (leftmost placement, unchanged base first): chr12-115980748-A-AC. GRCh37 (hg19) VCF-style: chr12-116418553-A-AC.
Identifiers: ClinVar variation 1699209 (VCV001699209.4), dbSNP rs1877270718, ClinGen allele CA658790718.
Genomic context (GRCh38, chr12:115,980,748, plus strand): 5'-ATACCTCTTCTAGCTTGCATTTTAGTATAAATTTTCTAAGTTTCTGTCCTGCCAATACCT[A>AC]CCTCAGGGTTCTTGAGGGTCATCTCAATGCTGGCTGCAGGCCCAAATCCCGTGAGGGATT-3'

ClinVar aggregate classification (germline): Pathogenic/Likely pathogenic. Review status: criteria provided, multiple submitters, no conflicts (2 of 4 stars). 2 submissions from 2 submitters: Pathogenic (1); Likely pathogenic (1). Last evaluated 2025-04-09.

Conditions:
Cardiac anomalies - developmental delay - facial dysmorphism syndrome (MRFACD). Also called: Impaired intellectual development and distinctive facial features with or without cardiac defects; MED13L Syndrome. Identifiers: Orphanet 369891, MedGen C5192431, MONDO:0014773, OMIM 616789.

Submissions (2):

Division of Genetic & Genomic Pathology, Hong Kong Children's Hospital
Classification: Likely pathogenic for Cardiac anomalies - developmental delay - facial dysmorphism syndrome. Last evaluated: 2025-04-09. Review status: criteria provided, single submitter. Criteria: ACMG Guidelines, 2015. Collection method: clinical testing. Allele origin: germline. Affected: yes.
Comment: The MED13L c.5364+1dup p.? is a splicing variant located in intron 23 of the gene, affecting the canonical donor splice site. This variant is absent in population control database (gnomAD v4.1.0). It has been reported as pathogenic in ClinVar by a single submitter (VCV001699209.3), and found de novo in a patient with autism spectrum disorder (ASD) and neurodevelopmental delay (PMID: 25363768). MED13L is curated as a gene with sufficient evidence for haploinsufficiency pertaining to syndromic intellectual disability in ClinGen. For these reasons, this variant is classified as likely pathogenic.

Victorian Clinical Genetics Services, Murdoch Childrens Research Institute
Classification: Pathogenic for Cardiac anomalies - developmental delay - facial dysmorphism syndrome. Last evaluated: 2022-02-02. Review status: criteria provided, single submitter. Criteria: ACMG Guidelines, 2015. Collection method: clinical testing. Allele origin: germline. Inheritance: Autosomal dominant inheritance.
Comment: Based on the classification scheme VCGS_Germline_v1.3.4, this variant is classified as Pathogenic. Following criteria are met: 0102 - Loss of function is a known mechanism of disease in this gene and is associated with MED13L-related neurodevelopmental disorder (MIM#616789). (I) 0107 - This gene is associated with autosomal dominant disease. (I) 0115 - Variants in this gene are known to have variable expressivity, in terms of the presence of cardiac defects (PMID: 29511999). (I) 0211 - Canonical splice site variant without proven consequence on splicing (no functional evidence available). (SP) 0251 - This variant is heterozygous. (I) 0301 - Variant is absent from gnomAD (both v2 and v3). (SP) 0505 - Abnormal splicing is predicted by in silico tools and affected nucleotide is highly conserved. (SP) 0705 - No comparable splice site variants have previous evidence for pathogenicity. (I) 0802 - This variant has moderate previous evidence of pathogenicity in unrelated individuals. It has been found de novo in a patient described to have autism spectrum disorder (PMID: 22542183). (SP) 0905 - No published segregation evidence has been identified for this variant. (I) 1007 - No published functional evidence has been identified for this variant. (SP) Legend: (SP) - Supporting pathogenic, (I) - Information, (SB) - Supporting benign

Literature cited by the submitters: PubMed 25363768 (cited by Division of Genetic & Genomic Pathology, Hong Kong Children's Hospital); PubMed 22542183 (cited by Victorian Clinical Genetics Services, Murdoch Childrens Research Institute); PubMed 29511999 (cited by Victorian Clinical Genetics Services, Murdoch Childrens Research Institute).